The following is an entry in ClinVar:

ClinVar aggregate classification (germline): Likely pathogenic (1 of 4 stars; one submission).

Conditions:
Familial cancer of breast. Also called: hereditary breast carcinoma; Hereditary breast cancer; BREAST CANCER, FAMILIAL. Identifiers: Orphanet 227535, MedGen C0346153, MONDO:0016419, OMIM 114480. Disease mechanism: loss of function.

Allele frequency attached by ClinVar (database versions not stated): gnomAD exomes below 0.00001.
gnomAD v4.1: 1 of 1,475,080 alleles (0.000068%); highest among the groups gnomAD compares: Non-Finnish European, 0.000095%; no homozygotes.

Submission:

Labcorp Genetics (formerly Invitae), Labcorp
Classification: Likely pathogenic for Familial cancer of breast. Last evaluated: 2023-08-27. Review status: criteria provided, single submitter. Criteria: Invitae Variant Classification Sherloc (09022015). Collection method: clinical testing. Allele origin: germline.
Comment: This sequence change affects a donor splice site in intron 7 of the CHEK2 gene. It is expected to disrupt RNA splicing. Variants that disrupt the donor or acceptor splice site typically lead to a loss of protein function (PMID: 16199547), and loss-of-function variants in CHEK2 are known to be pathogenic (PMID: 21876083, 24713400). In summary, the currently available evidence indicates that the variant is pathogenic, but additional data are needed to prove that conclusively. Therefore, this variant has been classified as Likely Pathogenic. Algorithms developed to predict the effect of sequence changes on RNA splicing suggest that this variant may disrupt the consensus splice site. This variant has not been reported in the literature in individuals affected with CHEK2-related conditions. This variant is not present in population databases (gnomAD no frequency).

Literature cited by the submitters: PubMed 16199547; PubMed 21876083; PubMed 24713400.

NM_007194.4(CHEK2):c.846+2T>G

Gene: CHEK2 (checkpoint kinase 2; minus strand). Cytogenetic location: 22q12.1.
Variant type: single nucleotide variant.
Coding change: c.846+2T>G on transcript NM_007194.4 (MANE Select); the canonical splice donor site of the intron after coding-DNA position 846, T replaced by G.
Molecular consequence: splice donor variant.
Genome position (GRCh38, 1-based): chr22:28,710,004, A>C on the plus strand (T>G on the coding strand, the complement: CHEK2 is on the minus strand). VCF-style: chr22-28710004-A-C. GRCh37 (hg19) VCF-style: chr22-29105992-A-C.
Other names: c.183+2T>G (NM_001437942.1, NM_001257387.3); c.645+2T>G (NM_001349956.3); c.846+2T>G (NM_145862.3); c.939+2T>G (NM_001438295.1, NM_001438293.1); c.975+2T>G (NM_001438294.1, NM_001005735.3).
Identifiers: ClinVar variation 3009077 (VCV003009077.3), dbSNP rs1601777275, ClinGen allele CA411102250.